The following is an entry in ClinVar:

NM_002471.4(MYH6):c.3386C>T (p.Thr1129Ile)

Gene: MYH6 (myosin heavy chain 6; minus strand). Cytogenetic location: 14q11.2.
Variant type: single nucleotide variant.
Coding change: c.3386C>T on transcript NM_002471.4 (MANE Select); coding-DNA position 3386, C replaced by T.
Protein change: p.Thr1129Ile; replaces threonine 1129 with isoleucine.
Molecular consequence: missense variant.
Genome position (GRCh38, 1-based): chr14:23,390,403, G>A on the plus strand (C>T on the coding strand, the complement: MYH6 is on the minus strand). VCF-style: chr14-23390403-G-A. GRCh37 (hg19) VCF-style: chr14-23859612-G-A.
Other names: short protein forms T1129I.
Identifiers: ClinVar variation 3400906 (VCV003400906.1).

ClinVar aggregate classification (germline): Uncertain significance (1 of 4 stars; one submission).

Conditions:
Cardiovascular phenotype. Identifiers: MedGen CN230736.

Submission:

Ambry Genetics
Classification: Uncertain significance for Cardiovascular phenotype. Last evaluated: 2024-11-18. Review status: criteria provided, single submitter. Criteria: Ambry Variant Classification Scheme 2023. Collection method: clinical testing. Allele origin: germline.
Comment: The p.T1129I variant (also known as c.3386C>T), located in coding exon 24 of the MYH6 gene, results from a C to T substitution at nucleotide position 3386. The threonine at codon 1129 is replaced by isoleucine, an amino acid with similar properties. This amino acid position is conserved. In addition, this alteration is predicted to be tolerated by in silico analysis. Based on the available evidence, the clinical significance of this variant remains unclear.